The following is an entry in ClinVar:

NM_000057.4(BLM):c.3153T>A (p.Asn1051Lys)

Gene: BLM (BLM RecQ like helicase; plus strand). Cytogenetic location: 15q26.1.
Variant type: single nucleotide variant.
Coding change: c.3153T>A on transcript NM_000057.4 (MANE Select); coding-DNA position 3153, T replaced by A.
Protein change: p.Asn1051Lys; replaces asparagine 1051 with lysine.
Molecular consequence: missense variant.
Genome position (GRCh38, 1-based): chr15:90,794,300, T>A. VCF-style: chr15-90794300-T-A. GRCh37 (hg19) VCF-style: chr15-91337530-T-A.
Other names: c.3153T>A, p.Asn1051Lys (NM_001287246.2, NM_001287247.2); c.2028T>A, p.Asn676Lys (NM_001287248.2); short protein forms N1051K, N676K.
Identifiers: ClinVar variation 663711 (VCV000663711.18), dbSNP rs1262516507, ClinGen allele CA393846952.

ClinVar aggregate classification (germline): Uncertain significance. Review status: criteria provided, multiple submitters, no conflicts (2 of 4 stars). 4 submissions from 4 submitters: Uncertain significance (3). 1 of the submissions does not count toward it. Last evaluated 2025-12-27.

Conditions:
Hereditary cancer-predisposing syndrome. Also called: Neoplastic Syndromes, Hereditary; Tumor predisposition; Hereditary neoplastic syndrome; Hereditary Cancer Syndrome. Identifiers: Orphanet 140162, MedGen C0027672, MeSH D009386, MONDO:0015356.
Bloom syndrome (BLM). Also called: Bloom-Torre-Machacek syndrome. Identifiers: Orphanet 125, MedGen C0005859, MONDO:0008876, OMIM 210900.

Allele frequency attached by ClinVar (database versions not stated): gnomAD exomes below 0.00001; TOPMed 0.00001.
gnomAD v4.1: 1 of 1,605,712 alleles (0.000062%); highest among the groups gnomAD compares: Non-Finnish European, 0.000085%; no homozygotes.

Submissions (4):

Labcorp Genetics (formerly Invitae), Labcorp
Classification: Uncertain significance for Bloom syndrome. Last evaluated: 2025-12-27. Review status: criteria provided, single submitter. Criteria: Invitae Variant Classification Sherloc (09022015). Collection method: clinical testing. Allele origin: germline.
Comment: This sequence change replaces asparagine, which is neutral and polar, with lysine, which is basic and polar, at codon 1051 of the BLM protein (p.Asn1051Lys). This variant is present in population databases (no rsID available, gnomAD 0.0009%). This variant has not been reported in the literature in individuals affected with BLM-related conditions. ClinVar contains an entry for this variant (Variation ID: 663711). Invitae Evidence Modeling of protein sequence and biophysical properties (such as structural, functional, and spatial information, amino acid conservation, physicochemical variation, residue mobility, and thermodynamic stability) indicates that this missense variant is not expected to disrupt BLM protein function with a negative predictive value of 80%. In summary, the available evidence is currently insufficient to determine the role of this variant in disease. Therefore, it has been classified as a Variant of Uncertain Significance.

Quest Diagnostics Nichols Institute San Juan Capistrano
Classification: Uncertain significance. Last evaluated: 2025-11-07. Review status: criteria provided, single submitter. Criteria: Quest Diagnostics criteria. Collection method: clinical testing. Allele origin: unknown.
Comment: The BLM c.3153T>A (p.Asn1051Lys) variant has not been reported in individuals with BLM-related conditions in the published literature. The frequency of this variant in the general population (Genome Aggregation Database) is uninformative in the assessment of its pathogenicity. Analysis of this variant using bioinformatics tools for the prediction of the effect of amino acid changes on protein structure and function yielded predictions that this variant is benign. Based on the available information, we are unable to determine the clinical significance of this variant.

Ambry Genetics
Classification: Uncertain significance for Hereditary cancer-predisposing syndrome. Last evaluated: 2023-12-21. Review status: criteria provided, single submitter. Criteria: Ambry Variant Classification Scheme 2023. Collection method: clinical testing. Allele origin: germline.
Comment: The p.N1051K variant (also known as c.3153T>A), located in coding exon 15 of the BLM gene, results from a T to A substitution at nucleotide position 3153. The asparagine at codon 1051 is replaced by lysine, an amino acid with similar properties. This amino acid position is highly conserved in available vertebrate species. In addition, this alteration is predicted to be tolerated by in silico analysis. Since supporting evidence is limited at this time, the clinical significance of this alteration remains unclear.

Natera, Inc.
Classification: Uncertain significance for Bloom syndrome. Last evaluated: 2020-09-28. Review status: no assertion criteria provided. Collection method: clinical testing. Allele origin: germline. Not counted in ClinVar's aggregate classification.